The following is an entry in ClinVar:

ClinVar aggregate classification (germline): Likely pathogenic. Review status: criteria provided, single submitter (1 of 4 stars). 2 submissions from 2 submitters: Likely pathogenic (1). 1 of the submissions does not count toward it. Last evaluated 2019-02-07.

Conditions:
O'Donnell-Luria-Rodan syndrome (ODLURO). Also called: KMT2E-Related Neurodevelopmental Disorder. Identifiers: MedGen C5193138, MONDO:0032793, OMIM 618512.

Submissions (2):

Broad Center for Mendelian Genomics, Broad Institute of MIT and Harvard
Classification: Likely pathogenic. Last evaluated: 2019-02-07. Review status: criteria provided, single submitter. Criteria: ACMG Guidelines, 2015. Collection method: research. Allele origin: de novo. Inheritance: Autosomal dominant inheritance. Affected: yes.
Comment: Trio exome analysis showed this variant to be de novo. The p.Gln1024* variant in KMT2E has not been previously reported in individuals with developmental regression and was absent from large population studies. This nonsense variant leads to a premature termination codon at position 1024, which is predicted to lead to a truncated or absent protein. This alteration is then predicted to lead to a truncated or absent protein. It is of note, that loss of function of the KMT2E gene in autosomal dominant disease has not yet been established based on the criteria laid out in Tayoun, 2018 (PMID: 30192042). In summary, although additional studies are required to fully establish its clinical significance, this variant is likely pathogenic.

Mendelics
Classification: Likely pathogenic for O'Donnell-Luria-Rodan syndrome. Last evaluated: 2024-11-15. Review status: no assertion criteria provided. Collection method: clinical testing. Allele origin: de novo. Affected: yes. Not counted in ClinVar's aggregate classification.

NM_182931.3(KMT2E):c.3070C>T (p.Gln1024Ter)

Gene: KMT2E (lysine methyltransferase 2E (inactive); plus strand). Cytogenetic location: 7q22.3.
Variant type: single nucleotide variant.
Coding change: c.3070C>T on transcript NM_182931.3 (MANE Select); coding-DNA position 3070, C replaced by T.
Protein change: p.Gln1024Ter; replaces glutamine 1024 with a stop codon.
Molecular consequence: nonsense.
Genome position (GRCh38, 1-based): chr7:105,107,527, C>T. VCF-style: chr7-105107527-C-T. GRCh37 (hg19) VCF-style: chr7-104747974-C-T.
Other names: c.3070C>T, p.Gln1024Ter (NM_018682.4); short protein forms Q1024*.
Identifiers: ClinVar variation 617564 (VCV000617564.4), dbSNP rs1562931936, ClinGen allele CA368788544.